The following is an entry in ClinVar:

ClinVar aggregate classification (germline): Uncertain significance (1 of 4 stars; one submission).

Submission:

Ambry Genetics
Classification: Uncertain significance. Last evaluated: 2024-05-29. Review status: criteria provided, single submitter. Criteria: Ambry Variant Classification Scheme 2023. Collection method: clinical testing. Allele origin: germline.
Comment: The c.94G>A (p.V32M) alteration is located in exon (coding exon ) of the MPPED1 gene. This alteration results from a G to A substitution at nucleotide position 94, causing the valine (V) at amino acid position 32 to be replaced by a methionine (M). Based on insufficient or conflicting evidence, the clinical significance of this alteration remains unclear.

NM_001044370.2(MPPED1):c.94G>A (p.Val32Met)

Gene: MPPED1 (metallophosphoesterase domain containing 1; plus strand). Cytogenetic location: 22q13.2.
Variant type: single nucleotide variant.
Coding change: c.94G>A on transcript NM_001044370.2 (MANE Select); coding-DNA position 94, G replaced by A.
Protein change: p.Val32Met; replaces valine 32 with methionine.
Molecular consequence: missense variant.
Genome position (GRCh38, 1-based): chr22:43,425,079, G>A. VCF-style: chr22-43425079-G-A. GRCh37 (hg19) VCF-style: chr22-43821085-G-A.
Other names: c.94G>A, p.Val32Met (NM_001362786.2); short protein forms V32M.
Identifiers: ClinVar variation 3295742 (VCV003295742.1).
Genomic context (GRCh38, chr22:43,425,079, plus strand): 5'-AAGGCGGAGGCCCTGGCCCTCCTCCCCTGCGGCCTGGGCATGGCATTCTCCCAGTCCCAC[G>A]TGATGGCCGCTCGGCGGCACCAGCACAGCCGGCTCATCATCGAGGTGGACGAGTACAGCT-3'
Protein context (NP_001037835.1, residues 22-42): GLGMAFSQSH[Val32Met]MAARRHQHSR